The following is an entry in ClinVar:

NM_194454.3(KRIT1):c.208dup (p.Asp70fs)

Gene: KRIT1 (KRIT1 ankyrin repeat containing; minus strand). Cytogenetic location: 7q21.2.
Variant type: Duplication.
Coding change: c.208dup on transcript NM_194454.3 (MANE Select); coding-DNA position 208, one base duplicated (G; older notation c.208dupG).
Protein change: p.Asp70fs; shifts the reading frame from aspartic acid 70.
Molecular consequence: frameshift variant. On other transcripts: 5 prime UTR variant (1).
Genome position (GRCh38, 1-based): chr7:92,241,047, C duplicated on the plus strand (G on the coding strand, the reverse complement: KRIT1 is on the minus strand); the first of 2 consecutive C bases (chr7:92,241,047-92,241,048); duplicating either gives the same sequence. VCF-style (leftmost placement, unchanged base first): chr7-92241046-T-TC. GRCh37 (hg19) VCF-style: chr7-91870360-T-TC.
Other names: c.208dup, p.Asp70fs (NM_001013406.2, NM_001350669.1, NM_001350670.1 and 29 more transcripts); c.-376dup (NM_001350671.1); short protein forms D70fs.
Identifiers: ClinVar variation 944419 (VCV000944419.8), dbSNP rs1799515896, ClinGen allele CA1139660120.

ClinVar aggregate classification (germline): Pathogenic (1 of 4 stars; one submission).

Conditions:
Cerebral cavernous malformation (CCM). Also called: CAVERNOUS ANGIOMA, FAMILIAL; CAVERNOUS ANGIOMATOUS MALFORMATIONS; CEREBRAL CAPILLARY MALFORMATIONS; Cavernous Hemangioma of Brain; Cerebral cavernous malformations; Cerebral cavernous hemangioma (type). Identifiers: Orphanet 221061, MedGen C2919945, MONDO:0000820, OMIM 116860, HP:0033522.

Submission:

Labcorp Genetics (formerly Invitae), Labcorp
Classification: Pathogenic for Cerebral cavernous malformation. Last evaluated: 2019-08-14. Review status: criteria provided, single submitter. Criteria: Invitae Variant Classification Sherloc (09022015). Collection method: clinical testing. Allele origin: germline.
Comment: This sequence change creates a premature translational stop signal (p.Asp70Glyfs*51) in the KRIT1 gene. It is expected to result in an absent or disrupted protein product. This variant is not present in population databases (ExAC no frequency). This variant has not been reported in the literature in individuals with KRIT1-related conditions. Loss-of-function variants in KRIT1 are known to be pathogenic (PMID: 10508515, 11222804, 12404106, 24689081). For these reasons, this variant has been classified as Pathogenic.

Literature cited by the submitters: PubMed 10508515; PubMed 11222804; PubMed 12404106; PubMed 24689081.